The following is an entry in ClinVar:

NM_022168.4(IFIH1):c.2299del (p.Thr767fs)

Gene: IFIH1 (interferon induced with helicase C domain 1; minus strand). Cytogenetic location: 2q24.2.
Variant type: Deletion.
Coding change: c.2299del on transcript NM_022168.4 (MANE Select); coding-DNA position 2299, one base deleted (A; older notation c.2299delA).
Protein change: p.Thr767fs; shifts the reading frame from threonine 767.
Molecular consequence: frameshift variant.
Genome position (GRCh38, 1-based): chr2:162,276,692, T deleted on the plus strand (A on the coding strand, the reverse complement: IFIH1 is on the minus strand). VCF-style (leftmost placement, unchanged base first): chr2-162276691-GT-G. GRCh37 (hg19) VCF-style: chr2-163133201-GT-G.
Other names: c.2299delA (NM_022168.4); short protein forms T767fs.
Identifiers: ClinVar variation 962581 (VCV000962581.37), dbSNP rs759430873, ClinGen allele CA1934250.

ClinVar aggregate classification (germline): Conflicting classifications of pathogenicity. Review status: criteria provided, conflicting classifications (1 of 4 stars). 6 submissions from 6 submitters: Likely pathogenic (1); Uncertain significance (4); Likely benign (1). Last evaluated 2026-04-01.

Conditions:
Aicardi-Goutieres syndrome 7 (AGS7). Identifiers: Orphanet 51, MedGen C3888244, MONDO:0014367, OMIM 615846.
Primary ciliary dyskinesia. Also called: Ciliary dyskinesia. Identifiers: Orphanet 244, MedGen C0008780, MONDO:0016575, HP:0012265.
Singleton-Merten syndrome 1 (SGMRT1). Also called: Widened medullary cavities of bone, aortic calcification, abnormal dentition, and muscular weakness; Syndrome of widened medullary cavities of the metacarpals and phalanges, aortic calcification and abnormal dentition. Identifiers: Orphanet 85191, MedGen C4225427, MONDO:0024535, OMIM 182250.

Allele frequency attached by ClinVar (database versions not stated): gnomAD 0.00005 and 0.00006; gnomAD exomes 0.00006 and 0.00003; ESP Exome Variant Server 0.00008; TOPMed 0.00012; ExAC 0.00005.

Submissions (6):

Department of Human Genetics, Hannover Medical School
Classification: Likely pathogenic for Primary Ciliary Dyskinesia. Last evaluated: 2026-04-01. Review status: criteria provided, single submitter. Criteria: ACMG Guidelines, 2015. Collection method: research. Allele origin: germline. Affected: no.
Comment: Classification performed by HerediClassify using the following criteria:['PM2_supporting: Variant occures does not occur as homozygous in gnomAD.', 'PVS1_protein_very_strong: Transcript ENST00000649979 is predicted to undergo NMD.']

Labcorp Genetics (formerly Invitae), Labcorp
Classification: Likely benign for Aicardi-Goutieres syndrome 7; Singleton-Merten syndrome 1. Last evaluated: 2025-12-21. Review status: criteria provided, single submitter. Criteria: Invitae Variant Classification Sherloc (09022015). Collection method: clinical testing. Allele origin: germline.

Blueprint Genetics
Classification: Uncertain significance. Last evaluated: 2024-01-17. Review status: criteria provided, single submitter. Criteria: ACMG Guidelines, 2015. Collection method: clinical testing. Allele origin: germline.

CeGaT Center for Human Genetics Tuebingen
Classification: Uncertain significance. Last evaluated: 2023-11-01. Review status: criteria provided, single submitter. Criteria: CeGaT Center For Human Genetics Tuebingen Variant Classification Criteria Version 2. Collection method: clinical testing. Allele origin: germline. Affected: yes. Observed: 1 variant allele.
Comment: IFIH1: PVS1:Strong, BS2

New York Genome Center
Classification: Uncertain significance for Aicardi-Goutieres syndrome 7. Last evaluated: 2021-07-02. Review status: criteria provided, single submitter. Criteria: NYGC Assertion Criteria 2020. Collection method: clinical testing. Allele origin: inherited. Observed: 1 heterozygote. Study: CSER-NYCKidSeq.

Laboratorio de Genetica e Diagnostico Molecular, Hospital Israelita Albert Einstein
Classification: Uncertain significance. Last evaluated: 2020-05-08. Review status: criteria provided, single submitter. Criteria: ACMG Guidelines, 2015. Collection method: clinical testing. Allele origin: germline. Affected: yes.
Comment: ACMG classification criteria: BS2